The following is an entry in ClinVar:

ClinVar aggregate classification (germline): Uncertain significance. Review status: criteria provided, multiple submitters, no conflicts (2 of 4 stars). 2 submissions from 2 submitters: Uncertain significance (2). Last evaluated 2024-07-30.

Conditions:
Charcot-Marie-Tooth disease type 2. Also called: Charcot-Marie-Tooth type 2. Identifiers: Orphanet 64746, MedGen C0270914, MONDO:0018993.

gnomAD v4.1: 1 of 1,606,116 alleles (0.000062%); highest among the groups gnomAD compares: Non-Finnish European, 0.000085%; no homozygotes.

Submissions (2):

Labcorp Genetics (formerly Invitae), Labcorp
Classification: Uncertain significance for Charcot-Marie-Tooth disease type 2. Last evaluated: 2024-07-30. Review status: criteria provided, single submitter. Criteria: Invitae Variant Classification Sherloc (09022015). Collection method: clinical testing. Allele origin: germline.
Comment: This sequence change falls in intron 8 of the KIF1B gene. It does not directly change the encoded amino acid sequence of the KIF1B protein. It affects a nucleotide within the consensus splice site. This variant is not present in population databases (gnomAD no frequency). This variant has not been reported in the literature in individuals affected with KIF1B-related conditions. ClinVar contains an entry for this variant (Variation ID: 1761466). Variants that disrupt the consensus splice site are a relatively common cause of aberrant splicing (PMID: 17576681, 9536098). Algorithms developed to predict the effect of sequence changes on RNA splicing suggest that this variant is not likely to affect RNA splicing. In summary, the available evidence is currently insufficient to determine the role of this variant in disease. Therefore, it has been classified as a Variant of Uncertain Significance.

Ambry Genetics
Classification: Uncertain significance. Last evaluated: 2021-07-25. Review status: criteria provided, single submitter. Criteria: Ambry Variant Classification Scheme 2023. Collection method: clinical testing. Allele origin: germline.
Comment: The c.798+5T>G intronic variant results from a T to G substitution 5 nucleotides after coding exon 7 in the KIF1B gene. This nucleotide position is well conserved in available vertebrate species. In silico splice site analysis predicts that this alteration will not have any significant effect on splicing. Since supporting evidence is limited at this time, the clinical significance of this alteration remains unclear.

Literature cited by the submitters: PubMed 17576681 (cited by Labcorp Genetics (formerly Invitae), Labcorp); PubMed 9536098 (cited by Labcorp Genetics (formerly Invitae), Labcorp).

NM_001365951.3(KIF1B):c.798+5T>G

Gene: KIF1B (kinesin family member 1B; plus strand). Cytogenetic location: 1p36.22.
Variant type: single nucleotide variant.
Coding change: c.798+5T>G on transcript NM_001365951.3 (MANE Select); 5 bases into the intron after coding-DNA position 798, T replaced by G.
Molecular consequence: intron variant.
Genome position (GRCh38, 1-based): chr1:10,271,584, T>G. VCF-style: chr1-10271584-T-G. GRCh37 (hg19) VCF-style: chr1-10331642-T-G.
Other names: c.798+5T>G (NM_183416.4, NM_015074.3, NM_001365952.1 and 1 more transcripts).
Identifiers: ClinVar variation 1761466 (VCV001761466.4), dbSNP rs1183375976, ClinGen allele CA2574205574.
Genomic context (GRCh38, chr1:10,271,584, plus strand): 5'-ATCTAGCAGGAAGTGAACGAGCTGATTCAACTGGTGCCAAAGGGACTCGATTAAAGGTAT[T>G]TATTTTAGCAAATAAATGGCCTGATCAATAAATGGCCACTACCTGTTTTTGTAAATAAAA-3'